The following is an entry in ClinVar:

NM_058195.4(CDKN2A):c.-39G>A

Gene: CDKN2A (cyclin dependent kinase inhibitor 2A; minus strand). Cytogenetic location: 9p21.3.
Variant type: single nucleotide variant.
Coding change: c.-39G>A on transcript NM_058195.4 (MANE Plus Clinical); 39 bases upstream of the start codon, G replaced by A.
Molecular consequence: 5 prime UTR variant. On other transcripts: intron variant (1).
Genome position (GRCh38, 1-based): chr9:21,994,370, C>T on the plus strand (G>A on the coding strand, the complement: CDKN2A is on the minus strand). VCF-style: chr9-21994370-C-T. GRCh37 (hg19) VCF-style: chr9-21994369-C-T.
Other names: c.-4+451G>A (NM_001363763.2).
Identifiers: ClinVar variation 418937 (VCV000418937.5), dbSNP rs1064793537, ClinGen allele CA16618843.
Genomic context (GRCh38, chr9:21,994,370, plus strand): 5'-TCACCAAGAACCTGCGCACCATGTTCTCGCCGCCTCCAGGGCCGAGCTCGGCAGCCGCTG[C>T]GCCGCCCTTTGGCACCAGAGGTGAGCAGCGCCACTCCTGCCCCCTTAACTGCAGACTGGG-3'

ClinVar aggregate classification (germline): Conflicting classifications of pathogenicity. Review status: criteria provided, conflicting classifications (1 of 4 stars). 2 submissions from 2 submitters: Uncertain significance (1); Likely benign (1). Last evaluated 2025-03-04.

Allele frequency attached by ClinVar (database versions not stated): gnomAD 0.00001.
gnomAD v4.1: 2 of 1,607,478 alleles (0.00012%); highest among the groups gnomAD compares: Non-Finnish European, 0.00017%; no homozygotes.

Submissions (2):

Center for Genomic Medicine, Rigshospitalet, Copenhagen University Hospital
Classification: Likely benign. Last evaluated: 2025-03-04. Review status: criteria provided, single submitter. Criteria: ACMG Guidelines, 2015. Collection method: clinical testing. Allele origin: germline.

GeneDx
Classification: Uncertain significance. Last evaluated: 2015-09-09. Review status: criteria provided, single submitter. Criteria: GeneDx Variant Classification (06012015). Collection method: clinical testing. Allele origin: germline. Affected: yes.
Comment: This variant is denoted CDKN2A c.-39G>A, and consists of a G>A nucleotide substitution 39 bases upstream of the translation initiation site. The CDKN2A gene encodes the p16 protein and, using an alternate reading frame, the p14ARF protein as well. This variant occurs just upstream of the start codon for p14ARF and there have not, to our knowledge, been any published regulatory mutations in the p14-ARF isoform. Although this variant does not appear to affect the start codon or the Kozak translational consensus sequence of p14-ARF, there are published variants in p16, including c.-25C>T, that are considered to be potentially deleterious and thought to predispose to melanoma (Soufir 2004, Bisio 2010). CDKN2A c.-39G>A was not observed in approximately 6,300 individuals of European and African American ancestry in the NHLBI Exome Sequencing Project, suggesting it is not a common benign variant in these populations. Based on currently available information, it is unclear whether CDKN2A c.-39G>A is pathogenic or benign. We consider it to be a variant of uncertain significance.